The following is an entry in ClinVar:

NM_000466.3(PEX1):c.509A>T (p.Glu170Val)

Gene: PEX1 (peroxisomal biogenesis factor 1; minus strand). Cytogenetic location: 7q21.2.
Variant type: single nucleotide variant.
Coding change: c.509A>T on transcript NM_000466.3 (MANE Select); coding-DNA position 509, A replaced by T.
Protein change: p.Glu170Val; replaces glutamic acid 170 with valine.
Molecular consequence: missense variant. On other transcripts: 5 prime UTR variant (1).
Genome position (GRCh38, 1-based): chr7:92,518,006, T>A on the plus strand (A>T on the coding strand, the complement: PEX1 is on the minus strand). VCF-style: chr7-92518006-T-A. GRCh37 (hg19) VCF-style: chr7-92147320-T-A.
Other names: c.509A>T, p.Glu170Val (NM_001282677.2); c.-116A>T (NM_001282678.2); short protein forms E170V.
Identifiers: ClinVar variation 2269425 (VCV002269425.3), dbSNP rs765240855, ClinGen allele CA4341584.
Genomic context (GRCh38, chr7:92,518,006, plus strand): 5'-GAAAATGTATTCTCTTTGGCTCGGCGTGTCTTTGGCTGAATAAGGAGTTTGGTGTCAGTT[T>A]CCAGCCTTCCATAAGAGGCAGCTGGTATTAGTGCAACTGTGTAGAAAATAAAGCTCATTA-3'
Protein context (NP_000457.1, residues 160-180): LIPAASYGRL[Glu170Val]TDTKLLIQPK

ClinVar aggregate classification (germline): Uncertain significance. Review status: criteria provided, multiple submitters, no conflicts (2 of 4 stars). 2 submissions from 2 submitters: Uncertain significance (2). Last evaluated 2026-03-19.

Conditions:
PEX1-related disorder. Also called: PEX1-related condition.
Inborn genetic diseases. Identifiers: MedGen C0950123, MeSH D030342.

Allele frequency attached by ClinVar (database versions not stated): ExAC 0.00001; gnomAD 0.00001; gnomAD exomes 0.00001; TOPMed 0.00001.
gnomAD v4.1: 5 of 1,614,012 alleles (0.00031%); highest among the groups gnomAD compares: Non-Finnish European, 0.00042%; no homozygotes.

Submissions (2):

PreventionGenetics, part of Exact Sciences
Classification: Uncertain significance for PEX1-related condition. Last evaluated: 2026-03-19. Review status: criteria provided, single submitter. Criteria: ACMG Guidelines, 2015. Collection method: clinical testing. Allele origin: germline.
Comment: The PEX1 c.509A>T variant is predicted to result in the amino acid substitution p.Glu170Val. To our knowledge, this variant has not been reported in the literature. This variant is reported in 0.00088% of alleles in individuals of European (Non-Finnish) descent in gnomAD. At this time, the clinical significance of this variant is uncertain due to the absence of conclusive functional and genetic evidence.

Ambry Genetics
Classification: Uncertain significance for Inborn genetic diseases. Last evaluated: 2022-01-04. Review status: criteria provided, single submitter. Criteria: Ambry Variant Classification Scheme 2023. Collection method: clinical testing. Allele origin: germline.